The following is an entry in ClinVar:

ClinVar aggregate classification (germline): Conflicting classifications of pathogenicity. Review status: criteria provided, conflicting classifications (1 of 4 stars). 3 submissions from 3 submitters: Likely pathogenic (2); Uncertain significance (1). Last evaluated 2024-07-18.

Conditions:
Pigmentary retinal dystrophy. Also called: Fundus albipunctatus. Identifiers: Orphanet 227796, Orphanet 52427, MedGen C0311338, MONDO:0007639, OMIM 136880, HP:0030642.

Allele frequency attached by ClinVar (database versions not stated): gnomAD 0.00001; TOPMed 0.00001; 1000 Genomes Project 30x 0.00016; 1000 Genomes Project 0.00020.
gnomAD v4.1: 7 of 1,614,024 alleles (0.00043%); highest among the groups gnomAD compares: East Asian, 0.016%; no homozygotes.

Submissions (3):

Women's Health and Genetics/Laboratory Corporation of America, LabCorp
Classification: Uncertain significance. Last evaluated: 2024-07-18. Review status: criteria provided, single submitter. Criteria: LabCorp Variant Classification Summary - May 2015. Collection method: clinical testing. Allele origin: germline.
Comment: Variant summary: RDH5 c.394G>A (p.Val132Met) results in a conservative amino acid change in the encoded protein sequence. Three of five in-silico tools predict a benign effect of the variant on protein function. The variant allele was found at a frequency of 2e-05 in 249622 control chromosomes. c.394G>A has been reported in the literature in 3 individuals affected with Retinal Dystrophy and Fundus Albipunctatus (Nakamura_IOVS_2000,_2003, Hanany_2020, Niwa_2000). These data indicate that the variant may be associated with disease. To our knowledge, no experimental evidence demonstrating an impact on protein function has been reported. The following publications have been ascertained in the context of this evaluation (PMID: 31964843, 12906118, 11053295, 15790919). ClinVar contains an entry for this variant (Variation ID: 1687569). Based on the evidence outlined above, the variant was classified as VUS-possibly pathogenic.

3billion
Classification: Likely pathogenic for Pigmentary retinal dystrophy. Last evaluated: 2022-05-22. Review status: criteria provided, single submitter. Criteria: ACMG Guidelines, 2015. Collection method: clinical testing. Allele origin: germline. Affected: yes. Observed: 1 heterozygote.
Comment: The variant is observed at an extremely low frequency in the gnomAD v2.1.1 dataset (total allele frequency: 0.002%). In silico tool predictions suggest damaging effect of the variant on gene or gene product (REVEL: 0.66; 3Cnet: 0.06). Same nucleotide change resulting in same amino acid change has been previously reported as pathogenic/likely pathogenic with strong evidence (PMID: 11053295). Therefore, this variant is classified as likely pathogenic according to the recommendation of ACMG/AMP guideline.

Juno Genomics, Hangzhou Juno Genomics, Inc
Classification: Likely pathogenic for Pigmentary retinal dystrophy. Review status: criteria provided, single submitter. Criteria: ACMG Guidelines, 2015. Collection method: clinical testing. Allele origin: germline.
Comment: Absent from controls (or at extremely low frequency if recessive) in Genome Aggregation Database.;Multiple lines of computational evidence support a deleterious effect on the gene or gene product.;For recessive disorders, detected in trans with a pathogenic variant.;Patient's phenotype or family history is highly specific for a disease with a single genetic etiology.

Literature cited by the submitters: PubMed 31964843 (cited by Women's Health and Genetics/Laboratory Corporation of America, LabCorp); PubMed 15790919 (cited by Women's Health and Genetics/Laboratory Corporation of America, LabCorp); PubMed 12906118 (cited by Women's Health and Genetics/Laboratory Corporation of America, LabCorp); PubMed 11053295 (cited by Women's Health and Genetics/Laboratory Corporation of America, LabCorp and 3billion).

NM_002905.5(RDH5):c.394G>A (p.Val132Met)

Genes: BLOC1S1-RDH5 (BLOC1S1-RDH5 readthrough; plus strand), RDH5 (retinol dehydrogenase 5; plus strand). Cytogenetic location: 12q13.2.
Variant type: single nucleotide variant.
Coding change: c.394G>A on transcript NM_002905.5 (MANE Select); coding-DNA position 394, G replaced by A.
Protein change: p.Val132Met; replaces valine 132 with methionine.
Molecular consequence: missense variant. On other transcripts: non-coding transcript variant (1).
Genome position (GRCh38, 1-based): chr12:55,721,772, G>A. VCF-style: chr12-55721772-G-A. GRCh37 (hg19) VCF-style: chr12-56115556-G-A.
Other names: c.394G>A, p.Val132Met (NM_001199771.3); short protein forms V132M.
Identifiers: ClinVar variation 1687569 (VCV001687569.4), dbSNP rs62638187, ClinGen allele CA6616834.